The following is an entry in ClinVar:

NM_004104.5(FASN):c.3099G>A (p.Met1033Ile)

Gene: FASN (fatty acid synthase; minus strand). Cytogenetic location: 17q25.3.
Variant type: single nucleotide variant.
Coding change: c.3099G>A on transcript NM_004104.5 (MANE Select); coding-DNA position 3099, G replaced by A.
Protein change: p.Met1033Ile; replaces methionine 1033 with isoleucine.
Molecular consequence: missense variant.
Genome position (GRCh38, 1-based): chr17:82,087,449, C>T on the plus strand (G>A on the coding strand, the complement: FASN is on the minus strand). VCF-style: chr17-82087449-C-T. GRCh37 (hg19) VCF-style: chr17-80045325-C-T.
Other names: short protein forms M1033I.
Identifiers: ClinVar variation 1026522 (VCV001026522.6), dbSNP rs747044105, ClinGen allele CA295133000.

ClinVar aggregate classification (germline): Uncertain significance (1 of 4 stars; one submission).

Conditions:
Epileptic encephalopathy. Identifiers: MedGen C0543888, HP:0200134.

Allele frequency attached by ClinVar (database versions not stated): gnomAD 0.00001; gnomAD exomes 0.00001 and 0.00003; TOPMed 0.00001.

Submission:

Labcorp Genetics (formerly Invitae), Labcorp
Classification: Uncertain significance for Epileptic encephalopathy. Last evaluated: 2023-11-28. Review status: criteria provided, single submitter. Criteria: Invitae Variant Classification Sherloc (09022015). Collection method: clinical testing. Allele origin: germline.
Comment: This sequence change replaces methionine, which is neutral and non-polar, with isoleucine, which is neutral and non-polar, at codon 1033 of the FASN protein (p.Met1033Ile). This variant is present in population databases (rs747044105, gnomAD 0.002%). This variant has not been reported in the literature in individuals affected with FASN-related conditions. ClinVar contains an entry for this variant (Variation ID: 1026522). An algorithm developed to predict the effect of missense changes on protein structure and function (PolyPhen-2) suggests that this variant is likely to be tolerated. In summary, the available evidence is currently insufficient to determine the role of this variant in disease. Therefore, it has been classified as a Variant of Uncertain Significance.